The following is an entry in ClinVar:

NM_000632.4(ITGAM):c.1556G>A (p.Arg519His)

Gene: ITGAM (integrin subunit alpha M; plus strand). Cytogenetic location: 16p11.2.
Variant type: single nucleotide variant.
Coding change: c.1556G>A on transcript NM_000632.4 (MANE Select); coding-DNA position 1556, G replaced by A.
Protein change: p.Arg519His; replaces arginine 519 with histidine.
Molecular consequence: missense variant.
Genome position (GRCh38, 1-based): chr16:31,297,803, G>A. VCF-style: chr16-31297803-G-A. GRCh37 (hg19) VCF-style: chr16-31309124-G-A.
Other names: c.1559G>A, p.Arg520His (NM_001145808.2); short protein forms R519H, R520H.
Identifiers: ClinVar variation 2991811 (VCV002991811.3), dbSNP rs370878031, ClinGen allele CA8025603.

ClinVar aggregate classification (germline): Uncertain significance (1 of 4 stars; one submission).

Allele frequency attached by ClinVar (database versions not stated): gnomAD 0.00002; ExAC 0.00003; ESP Exome Variant Server 0.00008.
gnomAD v4.1: 27 of 1,609,538 alleles (0.0017%); highest among the groups gnomAD compares: South Asian, 0.0088%; no homozygotes.

Submission:

Labcorp Genetics (formerly Invitae), Labcorp
Classification: Uncertain significance. Last evaluated: 2023-11-07. Review status: criteria provided, single submitter. Criteria: Invitae Variant Classification Sherloc (09022015). Collection method: clinical testing. Allele origin: germline.
Comment: This sequence change replaces arginine, which is basic and polar, with histidine, which is basic and polar, at codon 519 of the ITGAM protein (p.Arg519His). This variant is present in population databases (rs370878031, gnomAD 0.01%). This variant has not been reported in the literature in individuals affected with ITGAM-related conditions. An algorithm developed to predict the effect of missense changes on protein structure and function (PolyPhen-2) suggests that this variant is likely to be disruptive. In summary, the available evidence is currently insufficient to determine the role of this variant in disease. Therefore, it has been classified as a Variant of Uncertain Significance.